The following is an entry in ClinVar:

ClinVar aggregate classification (germline): Conflicting classifications of pathogenicity. Review status: criteria provided, conflicting classifications (1 of 4 stars). 6 submissions from 4 submitters: Uncertain significance (1); Benign (2); Likely benign (3). Last evaluated 2026-01-13.

Conditions:
Cardiovascular phenotype. Identifiers: MedGen CN230736.
Andersen Tawil syndrome (LQT7). Also called: LONG QT SYNDROME 7; PERIODIC PARALYSIS, POTASSIUM-SENSITIVE CARDIODYSRHYTHMIC TYPE; Potassium-sensitive periodic paralysis, ventricular ectopy, and dysmorphic features; Andersen Syndrome; ANDERSEN CARDIODYSRHYTHMIC PERIODIC PARALYSIS. Identifiers: Orphanet 37553, MedGen C1563715, MONDO:0008222, OMIM 170390.
Short QT syndrome type 3. Identifiers: Orphanet 51083, MedGen C1865018, MONDO:0012314, OMIM 609622.
Atrial fibrillation, familial, 9 (ATFB9). Identifiers: MedGen C3151431, MONDO:0013513, OMIM 613980.

Allele frequency attached by ClinVar (database versions not stated): TOPMed 0.00003; 1000 Genomes Project 30x 0.00016.
gnomAD v4.1: 98 of 1,614,106 alleles (0.0061%); highest among the groups gnomAD compares: South Asian, 0.091%; no homozygotes.

Submissions (6):

Labcorp Genetics (formerly Invitae), Labcorp
Classification: Likely benign for Short QT syndrome type 3; Andersen Tawil syndrome. Last evaluated: 2026-01-13. Review status: criteria provided, single submitter. Criteria: Invitae Variant Classification Sherloc (09022015). Collection method: clinical testing. Allele origin: germline.

Ambry Genetics
Classification: Likely benign for Cardiovascular phenotype. Last evaluated: 2021-02-24. Review status: criteria provided, single submitter. Criteria: Ambry Variant Classification Scheme 2023. Collection method: clinical testing. Allele origin: germline.

Illumina Laboratory Services, Illumina
Classification: Uncertain significance for Atrial fibrillation, familial, 9. Last evaluated: 2018-01-12. Review status: criteria provided, single submitter. Criteria: ICSL Variant Classification Criteria 13 December 2019. Collection method: clinical testing. Allele origin: germline.

Illumina Laboratory Services, Illumina
Classification: Benign for Andersen Tawil syndrome. Last evaluated: 2018-01-12. Review status: criteria provided, single submitter. Criteria: ICSL Variant Classification Criteria 13 December 2019. Collection method: clinical testing. Allele origin: germline.
Comment: This variant was observed in the ICSL laboratory as part of a predisposition screen in an ostensibly healthy population. It had not been previously curated by ICSL or reported in the Human Gene Mutation Database (HGMD: prior to June 1st, 2018), and was therefore a candidate for classification through an automated scoring system. Utilizing variant allele frequency, disease prevalence and penetrance estimates, and inheritance mode, an automated score was calculated to assess if this variant is too frequent to cause the disease. Based on the score and internal cut-off values, a variant classified as benign is not then subjected to further curation. The score for this variant resulted in a classification of benign for this disease.

Illumina Laboratory Services, Illumina
Classification: Benign for Short QT syndrome type 3. Last evaluated: 2018-01-12. Review status: criteria provided, single submitter. Criteria: ICSL Variant Classification Criteria 13 December 2019. Collection method: clinical testing. Allele origin: germline.
Comment: the same text as in the submission from Illumina Laboratory Services, Illumina above.

GeneDx
Classification: Likely benign. Last evaluated: 2016-01-04. Review status: criteria provided, single submitter. Criteria: GeneDx Variant Classification (06012015). Collection method: clinical testing. Allele origin: germline. Affected: yes.
Comment: This variant is considered likely benign or benign based on one or more of the following criteria: it is a conservative change, it occurs at a poorly conserved position in the protein, it is predicted to be benign by multiple in silico algorithms, and/or has population frequency not consistent with disease.

NM_000891.3(KCNJ2):c.1254C>G (p.Pro418=)

Gene: KCNJ2 (potassium inwardly rectifying channel subfamily J member 2; plus strand). Cytogenetic location: 17q24.3.
Variant type: single nucleotide variant.
Coding change: c.1254C>G on transcript NM_000891.3 (MANE Select); coding-DNA position 1254, C replaced by G.
Protein change: p.Pro418=; no amino-acid change (proline 418 retained).
Molecular consequence: synonymous variant.
Genome position (GRCh38, 1-based): chr17:70,176,293, C>G. VCF-style: chr17-70176293-C-G. GRCh37 (hg19) VCF-style: chr17-68172434-C-G.
Identifiers: ClinVar variation 378007 (VCV000378007.14), dbSNP rs748445140, ClinGen allele CA8738812.